The following is an entry in ClinVar:

NM_133259.4(LRPPRC):c.1677+294C>A

Gene: LRPPRC (leucine rich pentatricopeptide repeat containing; minus strand). Cytogenetic location: 2p21.
Variant type: single nucleotide variant.
Coding change: c.1677+294C>A on transcript NM_133259.4 (MANE Select); 294 bases into the intron after coding-DNA position 1677, C replaced by A.
Molecular consequence: intron variant.
Genome position (GRCh38, 1-based): chr2:43,950,279, G>T on the plus strand (C>A on the coding strand, the complement: LRPPRC is on the minus strand). VCF-style: chr2-43950279-G-T. GRCh37 (hg19) VCF-style: chr2-44177418-G-T.
Identifiers: ClinVar variation 674139 (VCV000674139.1), dbSNP rs144340094, ClinGen allele CA46464120.
Genomic context (GRCh38, chr2:43,950,279, plus strand): 5'-TTCCAACTTTTATTTTAAGTTCAGGGGTACATGTGCAGGATGTGCAGGTTTGTTACATCG[G>T]TAAACGTGTGCCATGGTGGTCGGCTGCACAGATCATCCCATCACCCAGGTATTAAGCCCA-3'

ClinVar aggregate classification (germline): Likely benign (1 of 4 stars; one submission).

Allele frequency attached by ClinVar (database versions not stated): 1000 Genomes Project 30x 0.00562; TOPMed 0.01364; 1000 Genomes Project 0.00639.
gnomAD v4.1: 2,089 of 151,954 alleles (1.4%); highest among the groups gnomAD compares: Non-Finnish European, 1.8%; 30 homozygotes.

Submission:

GeneDx
Classification: Likely benign. Last evaluated: 2018-06-19. Review status: criteria provided, single submitter. Criteria: GeneDx Variant Classification (06012015). Collection method: clinical testing. Allele origin: germline. Affected: yes.
Comment: This variant is considered likely benign or benign based on one or more of the following criteria: it is a conservative change, it occurs at a poorly conserved position in the protein, it is predicted to be benign by multiple in silico algorithms, and/or has population frequency not consistent with disease.